The following is an entry in ClinVar:

NM_014855.3(AP5Z1):c.1068_1098del (p.Val357fs)

Gene: AP5Z1 (adaptor related protein complex 5 subunit zeta 1; plus strand). Cytogenetic location: 7p22.1.
Variant type: Deletion.
Coding change: c.1068_1098del on transcript NM_014855.3 (MANE Select); coding-DNA positions 1068 to 1098, 31 bases deleted.
Protein change: p.Val357fs; shifts the reading frame from valine 357.
Molecular consequence: frameshift variant. On other transcripts: non-coding transcript variant (1).
Genome position (GRCh38, 1-based): chr7:4,785,620-4,785,650, 31 bases deleted; deleting any 31 consecutive bases within chr7:4,785,619-4,785,650 gives the same sequence; the c. name uses the placement nearest the transcript's 3' end. GRCh37 (hg19): chr7:4,825,251-4,825,281.
Other names: c.600_630del, p.Val201fs (NM_001364858.1); short protein forms V201fs, V357fs.
Identifiers: ClinVar variation 4777569 (VCV004777569.1).
Genomic context (GRCh38, chr7:4,785,618, plus strand): 5'-TGCCGGCAGGACCCGTCCTTCCTGTACCGAAGTCTCTCCTGCCTGAAGGCCCTGCACGGG[CGGGTGCGCGGGGACCCGGCCTCTGTGCGGGT>C]GCTGCTGCCCCTCGCCCACTTCTTCCTGAGCCACGGTGAGCCCAGGGTGGGGTGGCGCTG-3'

ClinVar aggregate classification (germline): Pathogenic (1 of 4 stars; one submission).

Conditions:
Hereditary spastic paraplegia 48. Also called: SPASTIC PARAPLEGIA 48, AUTOSOMAL RECESSIVE; Spastic paraplegia 48. Identifiers: Orphanet 306511, MedGen C3150901, MONDO:0013342, OMIM 613647.

Submission:

Labcorp Genetics (formerly Invitae), Labcorp
Classification: Pathogenic for Hereditary spastic paraplegia 48. Last evaluated: 2025-06-16. Review status: criteria provided, single submitter. Criteria: Invitae Variant Classification Sherloc (09022015). Collection method: clinical testing. Allele origin: germline.
Comment: This sequence change creates a premature translational stop signal (p.Val357Cysfs*9) in the AP5Z1 gene. It is expected to result in an absent or disrupted protein product. Loss-of-function variants in AP5Z1 are known to be pathogenic (PMID: 20613862, 27606357). This variant is not present in population databases (gnomAD no frequency). This variant has not been reported in the literature in individuals affected with AP5Z1-related conditions. For these reasons, this variant has been classified as Pathogenic.

Literature cited by the submitters: PubMed 20613862; PubMed 27606357.